The following is an entry in ClinVar:

NM_006767.4(LZTR1):c.544G>A (p.Val182Met)

Gene: LZTR1 (leucine zipper like post translational regulator 1; plus strand). Cytogenetic location: 22q11.21.
Variant type: single nucleotide variant.
Coding change: c.544G>A on transcript NM_006767.4 (MANE Select); coding-DNA position 544, G replaced by A.
Protein change: p.Val182Met; replaces valine 182 with methionine.
Molecular consequence: missense variant.
Genome position (GRCh38, 1-based): chr22:20,988,823, G>A. VCF-style: chr22-20988823-G-A. GRCh37 (hg19) VCF-style: chr22-21343112-G-A.
Other names: short protein forms V182M.
Identifiers: ClinVar variation 1747597 (VCV001747597.3), dbSNP rs2518614115, ClinGen allele CA410780140.

ClinVar aggregate classification (germline): Uncertain significance. Review status: criteria provided, multiple submitters, no conflicts (2 of 4 stars). 2 submissions from 2 submitters: Uncertain significance (2). Last evaluated 2025-02-26.

Conditions:
Cardiovascular phenotype. Identifiers: MedGen CN230736.
Hereditary cancer-predisposing syndrome. Also called: Hereditary Cancer Syndrome; Neoplastic Syndromes, Hereditary; Tumor predisposition; Hereditary neoplastic syndrome. Identifiers: Orphanet 140162, MedGen C0027672, MeSH D009386, MONDO:0015356.

Submissions (2):

Labcorp Genetics (formerly Invitae), Labcorp
Classification: Uncertain significance. Last evaluated: 2025-02-26. Review status: criteria provided, single submitter. Criteria: Invitae Variant Classification Sherloc (09022015). Collection method: clinical testing. Allele origin: germline.
Comment: This sequence change replaces valine, which is neutral and non-polar, with methionine, which is neutral and non-polar, at codon 182 of the LZTR1 protein (p.Val182Met). This variant is not present in population databases (gnomAD no frequency). This variant has not been reported in the literature in individuals affected with LZTR1-related conditions. ClinVar contains an entry for this variant (Variation ID: 1747597). Invitae Evidence Modeling of protein sequence and biophysical properties (such as structural, functional, and spatial information, amino acid conservation, physicochemical variation, residue mobility, and thermodynamic stability) indicates that this missense variant is not expected to disrupt LZTR1 protein function with a negative predictive value of 80%. In summary, the available evidence is currently insufficient to determine the role of this variant in disease. Therefore, it has been classified as a Variant of Uncertain Significance.

Ambry Genetics
Classification: Uncertain significance for Cardiovascular phenotype; Hereditary cancer-predisposing syndrome. Last evaluated: 2021-04-30. Review status: criteria provided, single submitter. Criteria: Ambry Variant Classification Scheme 2023. Collection method: clinical testing. Allele origin: germline.
Comment: The p.V182M variant (also known as c.544G>A), located in coding exon 6 of the LZTR1 gene, results from a G to A substitution at nucleotide position 544. The valine at codon 182 is replaced by methionine, an amino acid with highly similar properties. This amino acid position is highly conserved in available vertebrate species. In addition, the in silico prediction for this alteration is inconclusive. Since supporting evidence is limited at this time, the clinical significance of this alteration remains unclear.